The following is an entry in ClinVar:

NM_001369.3(DNAH5):c.8624T>A (p.Leu2875Ter)

Gene: DNAH5 (dynein axonemal heavy chain 5; minus strand). Cytogenetic location: 5p15.2.
Variant type: single nucleotide variant.
Coding change: c.8624T>A on transcript NM_001369.3 (MANE Select); coding-DNA position 8624, T replaced by A.
Protein change: p.Leu2875Ter; replaces leucine 2875 with a stop codon.
Molecular consequence: nonsense.
Genome position (GRCh38, 1-based): chr5:13,788,739, A>T on the plus strand (T>A on the coding strand, the complement: DNAH5 is on the minus strand). VCF-style: chr5-13788739-A-T. GRCh37 (hg19) VCF-style: chr5-13788848-A-T.
Other names: short protein forms L2875*.
Identifiers: ClinVar variation 1723949 (VCV001723949.2), dbSNP rs2546723652, ClinGen allele CA359217015.

ClinVar aggregate classification (germline): Likely pathogenic (1 of 4 stars; one submission).

Conditions:
Primary ciliary dyskinesia 3. Identifiers: Orphanet 244, MedGen C1837618, MONDO:0012085, OMIM 608644.

Submission:

Myriad Genetics, Inc.
Classification: Likely pathogenic for Primary ciliary dyskinesia 3. Last evaluated: 2022-01-15. Review status: criteria provided, single submitter. Criteria: Myriad Women's Health Autosomal Recessive and X-Linked Classification Criteria (2021). Collection method: clinical testing. Allele origin: unknown.
Comment: NM_001369.2(DNAH5):c.8624T>A(L2875*) is expected to be pathogenic in the context of DNAH5-related primary ciliary dyskinesia. This variant is predicted to lead to an abnormal or absent protein product due to the creation of a premature termination codon in DNAH5, a gene where loss-of-function variants are known to be pathogenic. Please note: this variant was assessed in the context of healthy population screening.